The following is an entry in ClinVar:

NM_006294.5(UQCRB):c.278C>T (p.Pro93Leu)

Gene: UQCRB (ubiquinol-cytochrome c reductase binding protein; minus strand). Cytogenetic location: 8q22.1.
Variant type: single nucleotide variant.
Coding change: c.278C>T on transcript NM_006294.5 (MANE Select); coding-DNA position 278, C replaced by T.
Protein change: p.Pro93Leu; replaces proline 93 with leucine.
Molecular consequence: missense variant. On other transcripts: non-coding transcript variant (1).
Genome position (GRCh38, 1-based): chr8:96,231,113, G>A on the plus strand (C>T on the coding strand, the complement: UQCRB is on the minus strand). VCF-style: chr8-96231113-G-A. GRCh37 (hg19) VCF-style: chr8-97243341-G-A.
Other names: c.182C>T, p.Pro61Leu (NM_001199975.3); c.415C>T, p.Arg139Cys (NM_001254752.2); short protein forms P61L, P93L, R139C.
Identifiers: ClinVar variation 1704766 (VCV001704766.2), dbSNP rs751168289, ClinGen allele CA4815815.

ClinVar aggregate classification (germline): Uncertain significance (1 of 4 stars; one submission).

Allele frequency attached by ClinVar (database versions not stated): ExAC 0.00001; gnomAD 0.00001; gnomAD exomes 0.00001.
gnomAD v4.1: 16 of 1,613,718 alleles (0.00099%); highest among the groups gnomAD compares: Middle Eastern, 0.017%; no homozygotes.

Submission:

GeneDx
Classification: Uncertain significance. Last evaluated: 2022-03-11. Review status: criteria provided, single submitter. Criteria: GeneDx Variant Classification Process June 2021. Collection method: clinical testing. Allele origin: germline. Affected: yes.
Comment: Not observed at significant frequency in large population cohorts (gnomAD); In silico analysis supports that this missense variant has a deleterious effect on protein structure/function; Has not been previously published as pathogenic or benign to our knowledge